The following is an entry in ClinVar:

NM_000191.3(HMGCL):c.31C>T (p.Arg11Ter)

Gene: HMGCL (3-hydroxy-3-methylglutaryl-CoA lyase; minus strand). Cytogenetic location: 1p36.11.
Variant type: single nucleotide variant.
Coding change: c.31C>T on transcript NM_000191.3 (MANE Select); coding-DNA position 31, C replaced by T.
Protein change: p.Arg11Ter; replaces arginine 11 with a stop codon.
Molecular consequence: nonsense.
Genome position (GRCh38, 1-based): chr1:23,825,385, G>A on the plus strand (C>T on the coding strand, the complement: HMGCL is on the minus strand). VCF-style: chr1-23825385-G-A. GRCh37 (hg19) VCF-style: chr1-24151875-G-A.
Other names: c.31C>T, p.Arg11Ter (NM_001166059.2); short protein forms R11*.
Identifiers: ClinVar variation 521752 (VCV000521752.15), dbSNP rs1212444447, ClinGen allele CA339031171.

ClinVar aggregate classification (germline): Pathogenic. Review status: criteria provided, multiple submitters, no conflicts (2 of 4 stars). 8 submissions from 8 submitters: Pathogenic (7). 1 of the submissions does not count toward it. Last evaluated 2025-05-22.

Conditions:
Inborn genetic diseases. Identifiers: MedGen C0950123, MeSH D030342.
Long chain 3-hydroxyacyl-CoA dehydrogenase deficiency. Also called: Deficiency of long-chain 3-hydroxyacyl-coenzyme A dehydrogenase; LCHAD Deficiency. Identifiers: Orphanet 5, MedGen C3711645, MONDO:0012173, OMIM 609016.
Deficiency of hydroxymethylglutaryl-CoA lyase (HMGCLD). Also called: HMGCL DEFICIENCY; HYDROXYMETHYLGLUTARIC ACIDURIA; Defect in leucine metabolism; 3-hydroxy-3-methylglutaric aciduria; HMG-CoA LYASE DEFICIENCY. Identifiers: Orphanet 20, MedGen C1533587, MONDO:0009520, OMIM 246450.

Allele frequency attached by ClinVar (database versions not stated): TOPMed below 0.00001; gnomAD exomes 0.00001.
gnomAD v4.1: 4 of 1,561,520 alleles (0.00026%); highest among the groups gnomAD compares: East Asian, 0.0048%; no homozygotes.

Submissions (8):

Labcorp Genetics (formerly Invitae), Labcorp
Classification: Pathogenic for Deficiency of hydroxymethylglutaryl-CoA lyase. Last evaluated: 2025-05-22. Review status: criteria provided, single submitter. Criteria: Invitae Variant Classification Sherloc (09022015). Collection method: clinical testing. Allele origin: germline.
Comment: This sequence change creates a premature translational stop signal (p.Arg11*) in the HMGCL gene. It is expected to result in an absent or disrupted protein product. Loss-of-function variants in HMGCL are known to be pathogenic (PMID: 9817922, 17692550, 23465862). The frequency data for this variant in the population databases is considered unreliable, as metrics indicate poor data quality at this position in the gnomAD database. This premature translational stop signal has been observed in individual(s) with HMGCL-related conditions (PMID: 25872961, 28583327). In at least one individual the data is consistent with being in trans (on the opposite chromosome) from a pathogenic variant. ClinVar contains an entry for this variant (Variation ID: 521752). For these reasons, this variant has been classified as Pathogenic.

Natera, Inc.
Classification: Pathogenic for Deficiency of long-chain 3-hydroxyacyl-coenzyme A dehydrogenase. Last evaluated: 2025-05-21. Review status: criteria provided, single submitter. Criteria: Natera Variant Classification Schema (03/2026). Collection method: clinical testing. Allele origin: germline.
Comment: The c.31C>T variant in HMGCL is a nonsense variant predicted to introduce a stop codon at amino acid 11. This variant is expected to result in nonsense mediated decay, truncation, or a dysfunctional protein product. This variant is rare in the general population with a frequency below the threshold expected for the associated phenotype(s). This variant has been observed in one or more individuals affected with the associated recessive disease, as either homozygous or compound heterozygous with a second variant (PMID: 28583327). Given the available evidence, this variant is classified as Pathogenic.

Fulgent Genetics
Classification: Pathogenic for Deficiency of hydroxymethylglutaryl-CoA lyase. Last evaluated: 2024-04-30. Review status: criteria provided, single submitter. Criteria: ACMG Guidelines, 2015. Collection method: clinical testing. Allele origin: germline.

3billion
Classification: Pathogenic for Deficiency of hydroxymethylglutaryl-CoA lyase. Last evaluated: 2023-09-04. Review status: criteria provided, single submitter. Criteria: ACMG Guidelines, 2015. Collection method: clinical testing. Allele origin: germline. Affected: yes.
Comment: The variant is observed at an extremely low frequency in the gnomAD v2.1.1 dataset (total allele frequency: 0.001%). Predicted Consequence/Location: Stop-gained (nonsense): predicted to result in a loss or disruption of normal protein function through nonsense-mediated decay (NMD) or protein truncation. Multiple pathogenic variants are reported downstream of the variant. The variant has been reported at least twice as pathogenic with clinical assertions and evidence for the classification (ClinVar ID: VCV000521752 /PMID: 25872961). Therefore, this variant is classified as Pathogenic according to the recommendation of ACMG/AMP guideline.

Genome-Nilou Lab
Classification: Pathogenic for Deficiency of hydroxymethylglutaryl-CoA lyase. Last evaluated: 2023-04-11. Review status: criteria provided, single submitter. Criteria: ACMG Guidelines, 2015. Collection method: clinical testing. Allele origin: germline. Affected: no.

Baylor Genetics
Classification: Pathogenic for Deficiency of hydroxymethylglutaryl-CoA lyase. Last evaluated: 2022-06-06. Review status: criteria provided, single submitter. Criteria: ACMG Guidelines, 2015. Collection method: clinical testing. Allele origin: unknown.

Ambry Genetics
Classification: Pathogenic for Inborn genetic diseases. Last evaluated: 2017-05-18. Review status: criteria provided, single submitter. Criteria: Ambry exome assertion method (8-5-2015). Collection method: clinical testing. Allele origin: germline. Affected: yes. Observed: 1 variant allele.

Counsyl
Classification: Pathogenic for Deficiency of hydroxymethylglutaryl-CoA lyase. Last evaluated: 2017-12-07. Review status: no assertion criteria provided. Collection method: clinical testing. Allele origin: unknown. Not counted in ClinVar's aggregate classification.

Literature cited by the submitters: PubMed 9817922 (cited by Labcorp Genetics (formerly Invitae), Labcorp); PubMed 17692550 (cited by Labcorp Genetics (formerly Invitae), Labcorp); PubMed 23465862 (cited by Labcorp Genetics (formerly Invitae), Labcorp); PubMed 25872961 (cited by 3 submitters); PubMed 28583327 (cited by 3 submitters).